The following is an entry in ClinVar:

ClinVar aggregate classification (germline): Uncertain significance. Review status: criteria provided, multiple submitters, no conflicts (2 of 4 stars). 2 submissions from 2 submitters: Uncertain significance (2). Last evaluated 2023-09-13.

gnomAD v4.1: 5 of 1,613,286 alleles (0.00031%); highest among the groups gnomAD compares: East Asian, 0.0045%; no homozygotes.

Submissions (2):

Blueprint Genetics
Classification: Uncertain significance. Last evaluated: 2023-09-13. Review status: criteria provided, single submitter. Criteria: ACMG Guidelines, 2015. Collection method: clinical testing. Allele origin: germline.

Labcorp Genetics (formerly Invitae), Labcorp
Classification: Uncertain significance. Last evaluated: 2022-03-12. Review status: criteria provided, single submitter. Criteria: Invitae Variant Classification Sherloc (09022015). Collection method: clinical testing. Allele origin: germline.
Comment: In summary, the available evidence is currently insufficient to determine the role of this variant in disease. Therefore, it has been classified as a Variant of Uncertain Significance. Algorithms developed to predict the effect of missense changes on protein structure and function are either unavailable or do not agree on the potential impact of this missense change (SIFT: "Not Available"; PolyPhen-2: "Benign"; Align-GVGD: "Not Available"). This variant has not been reported in the literature in individuals affected with MYO18B-related conditions. This variant is present in population databases (rs775888404, gnomAD 0.01%). This sequence change replaces arginine, which is basic and polar, with leucine, which is neutral and non-polar, at codon 6 of the MYO18B protein (p.Arg6Leu).

NM_032608.7(MYO18B):c.17G>T (p.Arg6Leu)

Gene: MYO18B (myosin XVIIIB; plus strand). Cytogenetic location: 22q12.1.
Variant type: single nucleotide variant.
Coding change: c.17G>T on transcript NM_032608.7 (MANE Select); coding-DNA position 17, G replaced by T.
Protein change: p.Arg6Leu; replaces arginine 6 with leucine.
Molecular consequence: missense variant.
Genome position (GRCh38, 1-based): chr22:25,761,109, G>T. VCF-style: chr22-25761109-G-T. GRCh37 (hg19) VCF-style: chr22-26157076-G-T.
Other names: c.17G>T, p.Arg6Leu (NM_001318245.2); short protein forms R6L.
Identifiers: ClinVar variation 1975827 (VCV001975827.6), dbSNP rs775888404, ClinGen allele CA10159431.
Genomic context (GRCh38, chr22:25,761,109, plus strand): 5'-CTCCATCTCATCTCATCATCTCACGGCCCTGGCACTGCCTCAGCATGGCCATCTCATCAC[G>T]CCTCGCCCTGTGGGAGCAGAAGGAAAGTGACACTCATGGCTGGGGCTGCAGCCATCTGCA-3'
Protein context (NP_115997.5, residues 1-16): MAISS[Arg6Leu]LALWEQKIRE